The following is an entry in ClinVar:

ClinVar aggregate classification (germline): Uncertain significance (1 of 4 stars; one submission).

Conditions:
SLC17A8-related disorder. Also called: SLC17A8-related condition.

gnomAD v4.1: 7 of 1,614,104 alleles (0.00043%); highest among the groups gnomAD compares: Admixed American, 0.005%; no homozygotes.

Submission:

PreventionGenetics, part of Exact Sciences
Classification: Uncertain significance for SLC17A8-related condition. Last evaluated: 2026-04-07. Review status: criteria provided, single submitter. Criteria: ACMG Guidelines, 2015. Collection method: clinical testing. Allele origin: germline.
Comment: The SLC17A8 c.1579G>A variant is predicted to result in the amino acid substitution p.Glu527Lys. To our knowledge, this variant has not been reported in the literature. This variant is reported in 0.0046% of alleles in individuals of European (Finnish) descent in gnomAD. At this time, the clinical significance of this variant is uncertain due to the absence of conclusive functional and genetic evidence.

NM_139319.3(SLC17A8):c.1579G>A (p.Glu527Lys)

Gene: SLC17A8 (solute carrier family 17 member 8; plus strand). Cytogenetic location: 12q23.1.
Variant type: single nucleotide variant.
Coding change: c.1579G>A on transcript NM_139319.3 (MANE Select); coding-DNA position 1579, G replaced by A.
Protein change: p.Glu527Lys; replaces glutamic acid 527 with lysine.
Molecular consequence: missense variant.
Genome position (GRCh38, 1-based): chr12:100,419,968, G>A. VCF-style: chr12-100419968-G-A. GRCh37 (hg19) VCF-style: chr12-100813746-G-A.
Other names: c.1429G>A, p.Glu477Lys (NM_001145288.2); short protein forms E527K, E477K.
Identifiers: ClinVar variation 4982560 (VCV004982560.1).
Genomic context (GRCh38, chr12:100,419,968, plus strand): 5'-CAGGAGTGGGCTGACCCAGAGAATCTCTCTGAGGAGAAATGTGGAATCATTGACCAGGAC[G>A]AATTAGCTGAGGAGATAGAACTCAACCATGAGAGTTTTGCGAGTCCCAAAAAGAAGATGT-3'
Protein context (NP_647480.1, residues 517-537): EEKCGIIDQD[Glu527Lys]LAEEIELNHE